The following is an entry in ClinVar:

NM_000095.3(COMP):c.1453C>G (p.Arg485Gly)

Gene: COMP (cartilage oligomeric matrix protein; minus strand). Cytogenetic location: 19p13.11.
Variant type: single nucleotide variant.
Coding change: c.1453C>G on transcript NM_000095.3 (MANE Select); coding-DNA position 1453, C replaced by G.
Protein change: p.Arg485Gly; replaces arginine 485 with glycine.
Molecular consequence: missense variant.
Genome position (GRCh38, 1-based): chr19:18,786,001, G>C on the plus strand (C>G on the coding strand, the complement: COMP is on the minus strand). VCF-style: chr19-18786001-G-C. GRCh37 (hg19) VCF-style: chr19-18896811-G-C.
Other names: short protein forms R485G.
Identifiers: ClinVar variation 1973737 (VCV001973737.5), dbSNP rs191645921, ClinGen allele CA9316419.

ClinVar aggregate classification (germline): Uncertain significance (1 of 4 stars; one submission).

Allele frequency attached by ClinVar (database versions not stated): ExAC 0.00003; 1000 Genomes Project 0.00020; gnomAD 0.00001; 1000 Genomes Project 30x 0.00016.
gnomAD v4.1: 9 of 1,613,196 alleles (0.00056%); highest among the groups gnomAD compares: Non-Finnish European, 0.00076%; no homozygotes.

Submission:

Labcorp Genetics (formerly Invitae), Labcorp
Classification: Uncertain significance. Last evaluated: 2025-04-17. Review status: criteria provided, single submitter. Criteria: Invitae Variant Classification Sherloc (09022015). Collection method: clinical testing. Allele origin: germline.
Comment: This sequence change replaces arginine, which is basic and polar, with glycine, which is neutral and non-polar, at codon 485 of the COMP protein (p.Arg485Gly). This variant is present in population databases (rs191645921, gnomAD 0.003%). This variant has not been reported in the literature in individuals affected with COMP-related conditions. ClinVar contains an entry for this variant (Variation ID: 1973737). Invitae Evidence Modeling of protein sequence and biophysical properties (such as structural, functional, and spatial information, amino acid conservation, physicochemical variation, residue mobility, and thermodynamic stability) has been performed for this missense variant. However, the output from this modeling did not meet the statistical confidence thresholds required to predict the impact of this variant on COMP protein function. In summary, the available evidence is currently insufficient to determine the role of this variant in disease. Therefore, it has been classified as a Variant of Uncertain Significance.